The following is an entry in ClinVar:

NM_003000.3(SDHB):c.46A>C (p.Thr16Pro)

Gene: SDHB (succinate dehydrogenase complex iron sulfur subunit B; minus strand). Cytogenetic location: 1p36.13.
Variant type: single nucleotide variant.
Coding change: c.46A>C on transcript NM_003000.3 (MANE Select); coding-DNA position 46, A replaced by C.
Protein change: p.Thr16Pro; replaces threonine 16 with proline.
Molecular consequence: missense variant.
Genome position (GRCh38, 1-based): chr1:17,053,974, T>G on the plus strand (A>C on the coding strand, the complement: SDHB is on the minus strand). VCF-style: chr1-17053974-T-G. GRCh37 (hg19) VCF-style: chr1-17380469-T-G.
Other names: short protein forms T16P.
Identifiers: ClinVar variation 459149 (VCV000459149.5), dbSNP rs1433760506, ClinGen allele CA338230711.

ClinVar aggregate classification (germline): Uncertain significance. Review status: criteria provided, multiple submitters, no conflicts (2 of 4 stars). 2 submissions from 2 submitters: Uncertain significance (2). Last evaluated 2025-10-29.

Conditions:
Pheochromocytoma. Also called: MAX-Related Hereditary Paraganglioma-Pheochromocytoma Syndrome. Identifiers: Orphanet 29072, MedGen C0031511, MONDO:0008233, OMIM 171300, HP:0002666.
Pheochromocytoma/paraganglioma syndrome 4. Also called: SDHB-Related Hereditary Paraganglioma-Pheochromocytoma Syndrome (Paragangliomas 4); CAROTID BODY TUMORS AND MULTIPLE EXTRAADRENAL PHEOCHROMOCYTOMAS; PARAGANGLIOMA, FAMILIAL MALIGNANT; PARAGANGLIOMAS, HEREDITARY EXTRAADRENAL; SDHB-Related Hereditary Paraganglioma-Pheochromocytoma Syndrome; PHEOCHROMOCYTOMA, FAMILIAL EXTRAADRENAL. Identifiers: Orphanet 29072, MedGen C1861848, MONDO:0007273, OMIM 115310.
Gastrointestinal stromal tumor. Also called: Gastrointestinal stroma tumor; Gastrointestinal stromal tumor, somatic. Identifiers: Orphanet 44890, MedGen C0238198, MeSH D046152, MONDO:0011719, OMIM 606764, HP:0100723.
Hereditary cancer-predisposing syndrome. Also called: Tumor predisposition; Hereditary neoplastic syndrome; Neoplastic Syndromes, Hereditary; Hereditary Cancer Syndrome. Identifiers: Orphanet 140162, MedGen C0027672, MeSH D009386, MONDO:0015356.

Submissions (2):

Ambry Genetics
Classification: Uncertain significance for Hereditary cancer-predisposing syndrome. Last evaluated: 2025-10-29. Review status: criteria provided, single submitter. Criteria: Ambry Variant Classification Scheme 2023. Collection method: clinical testing. Allele origin: germline.
Comment: The p.T16P variant (also known as c.46A>C), located in coding exon 1 of the SDHB gene, results from an A to C substitution at nucleotide position 46. The threonine at codon 16 is replaced by proline, an amino acid with highly similar properties. This amino acid position is not well conserved in available vertebrate species. In addition, this alteration is predicted to be tolerated by in silico analysis. Based on the available evidence, the clinical significance of this variant remains unclear.

Labcorp Genetics (formerly Invitae), Labcorp
Classification: Uncertain significance for Gastrointestinal stromal tumor; Pheochromocytoma/paraganglioma syndrome 4; Pheochromocytoma. Last evaluated: 2025-06-09. Review status: criteria provided, single submitter. Criteria: Invitae Variant Classification Sherloc (09022015). Collection method: clinical testing. Allele origin: germline.
Comment: This sequence change replaces threonine, which is neutral and polar, with proline, which is neutral and non-polar, at codon 16 of the SDHB protein (p.Thr16Pro). This variant is not present in population databases (gnomAD no frequency). This variant has not been reported in the literature in individuals affected with SDHB-related conditions. ClinVar contains an entry for this variant (Variation ID: 459149). Invitae Evidence Modeling of protein sequence and biophysical properties (such as structural, functional, and spatial information, amino acid conservation, physicochemical variation, residue mobility, and thermodynamic stability) indicates that this missense variant is not expected to disrupt SDHB protein function with a negative predictive value of 95%. In summary, the available evidence is currently insufficient to determine the role of this variant in disease. Therefore, it has been classified as a Variant of Uncertain Significance.